The following is an entry in ClinVar:

ClinVar aggregate classification (germline): Likely pathogenic (1 of 4 stars; one submission).

Submission:

Labcorp Genetics (formerly Invitae), Labcorp
Classification: Likely pathogenic. Last evaluated: 2022-01-19. Review status: criteria provided, single submitter. Criteria: Invitae Variant Classification Sherloc (09022015). Collection method: clinical testing. Allele origin: germline.
Comment: In summary, the currently available evidence indicates that the variant is pathogenic, but additional data are needed to prove that conclusively. Therefore, this variant has been classified as Likely Pathogenic. Algorithms developed to predict the effect of sequence changes on RNA splicing suggest that this variant may disrupt the consensus splice site. ClinVar contains an entry for this variant (Variation ID: 1066852). This variant has not been reported in the literature in individuals affected with VPS13A-related conditions. This variant is not present in population databases (gnomAD no frequency). This sequence change affects an acceptor splice site in intron 30 of the VPS13A gene. It is expected to disrupt RNA splicing. Variants that disrupt the donor or acceptor splice site typically lead to a loss of protein function (PMID: 16199547), and loss-of-function variants in VPS13A are known to be pathogenic (PMID: 12404112, 21598378).

Literature cited by the submitters: PubMed 16199547; PubMed 12404112; PubMed 21598378.

NM_033305.3(VPS13A):c.3236-2A>G

Gene: VPS13A (vacuolar protein sorting 13 homolog A; plus strand). Cytogenetic location: 9q21.2.
Variant type: single nucleotide variant.
Coding change: c.3236-2A>G on transcript NM_033305.3 (MANE Select); the canonical splice acceptor site of the intron before coding-DNA position 3236, A replaced by G.
Molecular consequence: splice acceptor variant.
Genome position (GRCh38, 1-based): chr9:77,283,545, A>G. VCF-style: chr9-77283545-A-G. GRCh37 (hg19) VCF-style: chr9-79898461-A-G.
Other names: c.3119-2A>G (NM_001018037.2); c.3236-2A>G (NM_015186.4, NM_001018038.3).
Identifiers: ClinVar variation 1066852 (VCV001066852.7), dbSNP rs2131350326, ClinGen allele CA373847057.